The following is an entry in ClinVar:

ClinVar aggregate classification (germline): Likely benign (1 of 4 stars; one submission).

Allele frequency attached by ClinVar (database versions not stated): gnomAD exomes below 0.00001.
gnomAD v4.1: 3 of 1,206,049 alleles (0.00025%); no homozygotes.

Submission:

GeneDx
Classification: Likely benign. Last evaluated: 2023-07-18. Review status: criteria provided, single submitter. Criteria: GeneDx Variant Classification Process June 2021. Collection method: clinical testing. Allele origin: germline. Affected: yes.
Comment: Not observed at significant frequency in large population cohorts (gnomAD); In silico analysis supports that this missense variant does not alter protein structure/function; Has not been previously published as pathogenic or benign to our knowledge

NM_002024.6(FMR1):c.300T>G (p.Asp100Glu)

Gene: FMR1 (fragile X messenger ribonucleoprotein 1; plus strand). Cytogenetic location: Xq27.3.
Variant type: single nucleotide variant.
Coding change: c.300T>G on transcript NM_002024.6 (MANE Select); coding-DNA position 300, T replaced by G.
Protein change: p.Asp100Glu; replaces aspartic acid 100 with glutamic acid.
Molecular consequence: missense variant. On other transcripts: non-coding transcript variant (2).
Genome position (GRCh38, 1-based): chrX:147,928,688, T>G. VCF-style: chrX-147928688-T-G. GRCh37 (hg19) VCF-style: chrX-147010206-T-G.
Other names: c.300T>G, p.Asp100Glu (NM_001185075.2, NM_001185076.2, NM_001185081.2 and 1 more transcripts); short protein forms D100E.
Identifiers: ClinVar variation 2663123 (VCV002663123.1), dbSNP rs1569545558, ClinGen allele CA414436339.